The following is an entry in ClinVar:

ClinVar aggregate classification (germline): Uncertain significance (1 of 4 stars; one submission).

Submission:

GeneDx
Classification: Uncertain significance. Last evaluated: 2026-03-04. Review status: criteria provided, single submitter. Criteria: GeneDx Variant Classification Process June 2021. Collection method: clinical testing. Allele origin: germline.
Comment: Not observed at significant frequency in large population cohorts (gnomAD); In silico analysis supports that this missense variant has a deleterious effect on protein structure/function; Has not been previously published as pathogenic or benign to our knowledge; This substitution is predicted to be within the N-terminal cytoplasmic domain

NM_001040142.2(SCN2A):c.208C>A (p.Pro70Thr)

Gene: SCN2A (sodium voltage-gated channel alpha subunit 2; plus strand). Cytogenetic location: 2q24.3.
Variant type: single nucleotide variant.
Coding change: c.208C>A on transcript NM_001040142.2 (MANE Select); coding-DNA position 208, C replaced by A.
Protein change: p.Pro70Thr; replaces proline 70 with threonine.
Molecular consequence: missense variant.
Genome position (GRCh38, 1-based): chr2:165,296,031, C>A. VCF-style: chr2-165296031-C-A. GRCh37 (hg19) VCF-style: chr2-166152541-C-A.
Other names: c.208C>A, p.Pro70Thr (NM_001040143.2, NM_001371246.1, NM_001371247.1 and 1 more transcripts); short protein forms P70T.
Identifiers: ClinVar variation 4888180 (VCV004888180.1).